The following is an entry in ClinVar:

ClinVar aggregate classification (germline): Uncertain significance (1 of 4 stars; one submission).

Submission:

Labcorp Genetics (formerly Invitae), Labcorp
Classification: Uncertain significance. Last evaluated: 2022-01-21. Review status: criteria provided, single submitter. Criteria: Invitae Variant Classification Sherloc (09022015). Collection method: clinical testing. Allele origin: germline.
Comment: In summary, the available evidence is currently insufficient to determine the role of this variant in disease. Therefore, it has been classified as a Variant of Uncertain Significance. Algorithms developed to predict the effect of missense changes on protein structure and function (SIFT, PolyPhen-2, Align-GVGD) all suggest that this variant is likely to be disruptive. This variant has not been reported in the literature in individuals affected with CAD-related conditions. This variant is not present in population databases (gnomAD no frequency). This sequence change replaces arginine, which is basic and polar, with glutamine, which is neutral and polar, at codon 1416 of the CAD protein (p.Arg1416Gln).

NM_004341.5(CAD):c.4247G>A (p.Arg1416Gln)

Gene: CAD (carbamoyl-phosphate synthetase 2, aspartate transcarbamylase, and dihydroorotase; plus strand). Cytogenetic location: 2p23.3.
Variant type: single nucleotide variant.
Coding change: c.4247G>A on transcript NM_004341.5 (MANE Select); coding-DNA position 4247, G replaced by A.
Protein change: p.Arg1416Gln; replaces arginine 1416 with glutamine.
Molecular consequence: missense variant.
Genome position (GRCh38, 1-based): chr2:27,236,456, G>A. VCF-style: chr2-27236456-G-A. GRCh37 (hg19) VCF-style: chr2-27459324-G-A.
Other names: c.4058G>A, p.Arg1353Gln (NM_001306079.2); short protein forms R1353Q, R1416Q.
Identifiers: ClinVar variation 2088917 (VCV002088917.4), dbSNP rs2465341773, ClinGen allele CA346219213.
Genomic context (GRCh38, chr2:27,236,456, plus strand): 5'-CAATGCGTGGAGCTGGGGGCCGGCGTCTCTCTTCCTTTGTCACCAAGGGCTACCGCACCC[G>A]ACGCTTGGCCGCTGACTTCTCCGTGCCCCTAATCATCGATATCAAGTGCACCAAACTCTT-3'
Protein context (NP_004332.2, residues 1406-1426): SSFVTKGYRT[Arg1416Gln]RLAADFSVPL